The following is an entry in ClinVar:

NM_033026.6(PCLO):c.15226C>T (p.Arg5076Ter)

Gene: PCLO (piccolo presynaptic cytomatrix protein; minus strand). Cytogenetic location: 7q21.11.
Variant type: single nucleotide variant.
Coding change: c.15226C>T on transcript NM_033026.6 (MANE Select); coding-DNA position 15226, C replaced by T.
Protein change: p.Arg5076Ter; replaces arginine 5076 with a stop codon.
Molecular consequence: nonsense.
Genome position (GRCh38, 1-based): chr7:82,760,701, G>A on the plus strand (C>T on the coding strand, the complement: PCLO is on the minus strand). VCF-style: chr7-82760701-G-A. GRCh37 (hg19) VCF-style: chr7-82390017-G-A.
Other names: short protein forms R5076*.
Identifiers: ClinVar variation 3674784 (VCV003674784.2).

ClinVar aggregate classification (germline): Pathogenic (1 of 4 stars; one submission).

Submission:

Labcorp Genetics (formerly Invitae), Labcorp
Classification: Pathogenic. Last evaluated: 2024-05-21. Review status: criteria provided, single submitter. Criteria: Invitae Variant Classification Sherloc (09022015). Collection method: clinical testing. Allele origin: germline.
Comment: This sequence change creates a premature translational stop signal (p.Arg5076*) in the PCLO gene. It is expected to result in an absent or disrupted protein product. Loss-of-function variants in PCLO are known to be pathogenic (PMID: 25832664, 30287594). This variant is not present in population databases (gnomAD no frequency). This variant has not been reported in the literature in individuals affected with PCLO-related conditions. Algorithms developed to predict the effect of sequence changes on RNA splicing suggest that this variant may disrupt the consensus splice site. For these reasons, this variant has been classified as Pathogenic.

Literature cited by the submitters: PubMed 25832664; PubMed 30287594.